The following is an entry in ClinVar:

ClinVar aggregate classification (germline): Uncertain significance (1 of 4 stars; one submission).

Allele frequency attached by ClinVar (database versions not stated): gnomAD exomes below 0.00001.
gnomAD v4.1: 1 of 1,614,084 alleles (0.000062%); highest among the groups gnomAD compares: Non-Finnish European, 0.000085%; no homozygotes.

Submission:

Labcorp Genetics (formerly Invitae), Labcorp
Classification: Uncertain significance. Last evaluated: 2024-04-16. Review status: criteria provided, single submitter. Criteria: Invitae Variant Classification Sherloc (09022015). Collection method: clinical testing. Allele origin: germline.
Comment: This sequence change replaces proline, which is neutral and non-polar, with leucine, which is neutral and non-polar, at codon 589 of the POLE protein (p.Pro589Leu). This variant is not present in population databases (gnomAD no frequency). This variant has not been reported in the literature in individuals affected with POLE-related conditions. Advanced modeling of protein sequence and biophysical properties (such as structural, functional, and spatial information, amino acid conservation, physicochemical variation, residue mobility, and thermodynamic stability) performed at Invitae indicates that this missense variant is not expected to disrupt POLE protein function with a negative predictive value of 80%. In summary, the available evidence is currently insufficient to determine the role of this variant in disease. Therefore, it has been classified as a Variant of Uncertain Significance.

NM_006231.4(POLE):c.1766C>T (p.Pro589Leu)

Gene: POLE (DNA polymerase epsilon, catalytic subunit; minus strand). Cytogenetic location: 12q24.33.
Variant type: single nucleotide variant.
Coding change: c.1766C>T on transcript NM_006231.4 (MANE Select); coding-DNA position 1766, C replaced by T.
Protein change: p.Pro589Leu; replaces proline 589 with leucine.
Molecular consequence: missense variant.
Genome position (GRCh38, 1-based): chr12:132,672,243, G>A on the plus strand (C>T on the coding strand, the complement: POLE is on the minus strand). VCF-style: chr12-132672243-G-A. GRCh37 (hg19) VCF-style: chr12-133248829-G-A.
Other names: short protein forms P589L.
Identifiers: ClinVar variation 2987789 (VCV002987789.3), dbSNP rs2135990384, ClinGen allele CA387356262.
Genomic context (GRCh38, chr12:132,672,243, plus strand): 5'-AGACTGGCTCTTCCTGCCTCCCTGATGGTTACCTCTTCAAAGTTGGTGACTTGCTCCACA[G>A]GCACTTTCTCCTCTTCCTCAAGGGCGTGGCGCAAGGTCTTCTCAACCCGCTGCAGCAGGA-3'
Protein context (NP_006222.2, residues 579-599): RHALEEEEKV[Pro589Leu]VEQVTNFEEV